The following is an entry in ClinVar:

ClinVar aggregate classification (germline): Pathogenic (1 of 4 stars; one submission).

Submission:

Labcorp Genetics (formerly Invitae), Labcorp
Classification: Pathogenic. Last evaluated: 2025-10-02. Review status: criteria provided, single submitter. Criteria: Invitae Variant Classification Sherloc (09022015). Collection method: clinical testing. Allele origin: germline.
Comment: This sequence change creates a premature translational stop signal (p.Gly397Argfs*56) in the COL13A1 gene. It is expected to result in an absent or disrupted protein product. Loss-of-function variants in COL13A1 are known to be pathogenic (PMID: 26626625). This variant is not present in population databases (gnomAD no frequency). This variant has not been reported in the literature in individuals affected with COL13A1-related conditions. For these reasons, this variant has been classified as Pathogenic.

Literature cited by the submitters: PubMed 26626625.

NM_001368882.1(COL13A1):c.1220_1221insT (p.Gly408fs)

Gene: COL13A1 (collagen type XIII alpha 1 chain; plus strand). Cytogenetic location: 10q22.1.
Variant type: Insertion.
Coding change: c.1220_1221insT on transcript NM_001368882.1 (MANE Select); coding-DNA positions 1220 to 1221, T inserted.
Protein change: p.Gly408fs; shifts the reading frame from glycine 408.
Molecular consequence: frameshift variant.
Genome position: GRCh38 VCF-style: chr10-69922784-C-CT. GRCh37 (hg19) VCF-style: chr10-71682540-C-CT.
Other names: c.1187_1188insT, p.Gly397fs (NM_001130103.2); c.1157_1158insT, p.Gly387fs (NM_001320951.2, NM_001368884.1); c.1184_1185insT, p.Gly396fs (NM_001368883.1); c.1121_1122insT, p.Gly375fs (NM_001368885.1, NM_080801.4, NM_080802.4); c.557_558insT, p.Gly187fs (NM_001368886.1); c.1130_1131insT, p.Gly378fs (NM_001368895.1, NM_080800.4); c.1016_1017insT, p.Gly340fs (NM_001368896.1, NM_001368898.1, NM_080798.4); c.1043_1044insT, p.Gly349fs (NM_001368897.1); and 1 more; short protein forms G187fs, G349fs, G396fs, G340fs, G375fs, G387fs, G397fs, G408fs.
Identifiers: ClinVar variation 4720513 (VCV004720513.1).